The following is an entry in ClinVar:

ClinVar aggregate classification (germline): Uncertain significance (1 of 4 stars; one submission).

Submission:

Labcorp Genetics (formerly Invitae), Labcorp
Classification: Uncertain significance. Last evaluated: 2024-02-08. Review status: criteria provided, single submitter. Criteria: Invitae Variant Classification Sherloc (09022015). Collection method: clinical testing. Allele origin: germline.
Comment: This sequence change replaces glycine, which is neutral and non-polar, with arginine, which is basic and polar, at codon 70 of the TBX4 protein (p.Gly70Arg). This variant is not present in population databases (gnomAD no frequency). This variant has not been reported in the literature in individuals affected with TBX4-related conditions. Advanced modeling of protein sequence and biophysical properties (such as structural, functional, and spatial information, amino acid conservation, physicochemical variation, residue mobility, and thermodynamic stability) performed at Invitae indicates that this missense variant is not expected to disrupt TBX4 protein function with a negative predictive value of 95%. In summary, the available evidence is currently insufficient to determine the role of this variant in disease. Therefore, it has been classified as a Variant of Uncertain Significance.

NM_001321120.2(TBX4):c.208G>C (p.Gly70Arg)

Gene: TBX4 (T-box transcription factor 4; plus strand). Cytogenetic location: 17q23.2.
Variant type: single nucleotide variant.
Coding change: c.208G>C on transcript NM_001321120.2 (MANE Select); coding-DNA position 208, G replaced by C.
Protein change: p.Gly70Arg; replaces glycine 70 with arginine.
Molecular consequence: missense variant.
Genome position (GRCh38, 1-based): chr17:61,457,558, G>C. VCF-style: chr17-61457558-G-C. GRCh37 (hg19) VCF-style: chr17-59534919-G-C.
Other names: c.208G>C, p.Gly70Arg (NM_018488.3); short protein forms G70R.
Identifiers: ClinVar variation 3672938 (VCV003672938.2).